The following is an entry in ClinVar:

NM_001848.3(COL6A1):c.338T>C (p.Leu113Pro)

Gene: COL6A1 (collagen type VI alpha 1 chain; plus strand). Cytogenetic location: 21q22.3.
Variant type: single nucleotide variant.
Coding change: c.338T>C on transcript NM_001848.3 (MANE Select); coding-DNA position 338, T replaced by C.
Protein change: p.Leu113Pro; replaces leucine 113 with proline.
Molecular consequence: missense variant.
Genome position (GRCh38, 1-based): chr21:45,984,379, T>C. VCF-style: chr21-45984379-T-C. GRCh37 (hg19) VCF-style: chr21-47404293-T-C.
Other names: short protein forms L113P.
Identifiers: ClinVar variation 1511783 (VCV001511783.6), dbSNP rs2077725343, ClinGen allele CA410516086.

ClinVar aggregate classification (germline): Uncertain significance (1 of 4 stars; one submission).

Conditions:
Bethlem myopathy 1A. Also called: MYOPATHY, BENIGN CONGENITAL, WITH CONTRACTURES; Bethlem myopathy 1; Bethlem Muscular Dystrophy. Identifiers: Orphanet 610, MedGen CN029274, MONDO:0024530, OMIM 158810.

Allele frequency attached by ClinVar (database versions not stated): TOPMed below 0.00001; gnomAD 0.00001.
gnomAD v4.1: 1 of 1,612,610 alleles (0.000062%); highest among the groups gnomAD compares: African/African-American, 0.0013%; no homozygotes.

Submission:

Labcorp Genetics (formerly Invitae), Labcorp
Classification: Uncertain significance for Bethlem myopathy 1A. Last evaluated: 2021-11-30. Review status: criteria provided, single submitter. Criteria: Invitae Variant Classification Sherloc (09022015). Collection method: clinical testing. Allele origin: germline.
Comment: This sequence change replaces leucine, which is neutral and non-polar, with proline, which is neutral and non-polar, at codon 113 of the COL6A1 protein (p.Leu113Pro). This variant is not present in population databases (gnomAD no frequency). This variant has not been reported in the literature in individuals affected with COL6A1-related conditions. Advanced modeling of protein sequence and biophysical properties (such as structural, functional, and spatial information, amino acid conservation, physicochemical variation, residue mobility, and thermodynamic stability) performed at Invitae indicates that this missense variant is expected to disrupt COL6A1 protein function. In summary, the available evidence is currently insufficient to determine the role of this variant in disease. Therefore, it has been classified as a Variant of Uncertain Significance.